The following is an entry in ClinVar:

ClinVar aggregate classification (germline): Uncertain significance (1 of 4 stars; one submission).

Conditions:
Multiple congenital anomalies-hypotonia-seizures syndrome 1 (MCAHS1). Also called: PIGN-CDG; Congenital disorder of glycosylation due to PIGN deficiency; GLYCOSYLPHOSPHATIDYLINOSITOL BIOSYNTHESIS DEFECT 3. Identifiers: Orphanet 280633, MedGen C3279775, MONDO:0013563, OMIM 614080.

Submission:

Labcorp Genetics (formerly Invitae), Labcorp
Classification: Uncertain significance for Multiple congenital anomalies-hypotonia-seizures syndrome 1. Last evaluated: 2021-10-06. Review status: criteria provided, single submitter. Criteria: Invitae Variant Classification Sherloc (09022015). Collection method: clinical testing. Allele origin: germline.
Comment: Variants that disrupt the consensus splice site are a relatively common cause of aberrant splicing (PMID: 17576681, 9536098). Algorithms developed to predict the effect of sequence changes on RNA splicing suggest that this variant may disrupt the consensus splice site. This variant has not been reported in the literature in individuals affected with PIGN-related conditions. This variant is not present in population databases (ExAC no frequency). This sequence change falls in intron 15 of the PIGN gene. It does not directly change the encoded amino acid sequence of the PIGN protein. It affects a nucleotide within the consensus splice site of the intron. In summary, the available evidence is currently insufficient to determine the role of this variant in disease. Therefore, it has been classified as a Variant of Uncertain Significance.

Literature cited by the submitters: PubMed 17576681; PubMed 9536098.

NM_176787.5(PIGN):c.1251+5_1251+6insGCTATTTAT

Gene: PIGN (phosphatidylinositol glycan anchor biosynthesis class N; minus strand). Cytogenetic location: 18q21.33.
Variant type: Insertion.
Coding change: c.1251+5_1251+6insGCTATTTAT on transcript NM_176787.5 (MANE Select); bases 5 to 6 of the intron after coding-DNA position 1251, GCTATTTAT inserted.
Molecular consequence: intron variant.
Genome position: GRCh38 VCF-style: chr18-62114555-A-ACATAAATAG. GRCh37 (hg19) VCF-style: chr18-59781788-A-ACATAAATAG.
Other names: c.1251+5_1251+6insGCTATTTAT (NM_012327.6).
Identifiers: ClinVar variation 957689 (VCV000957689.5), dbSNP rs2035013726, ClinGen allele CA1139666146.